The following is an entry in ClinVar:

ClinVar aggregate classification (germline): Benign. Review status: criteria provided, single submitter (1 of 4 stars). 2 submissions from 2 submitters: Benign (1). 1 of the submissions does not count toward it. Last evaluated 2022-05-01.

Conditions:
POLR1B-related disorder. Also called: POLR1B-related condition.

Allele frequency attached by ClinVar (database versions not stated): gnomAD exomes 0.00011; ExAC 0.00044; 1000 Genomes Project 0.00080; 1000 Genomes Project 30x 0.00094; gnomAD 0.00129; TOPMed 0.00151; ESP Exome Variant Server 0.00208.
gnomAD v4.1: 362 of 1,614,130 alleles (0.022%); highest among the groups gnomAD compares: African/African-American, 0.43%; no homozygotes.

Submissions (2):

CeGaT Center for Human Genetics Tuebingen
Classification: Benign. Last evaluated: 2022-05-01. Review status: criteria provided, single submitter. Criteria: CeGaT Center For Human Genetics Tuebingen Variant Classification Criteria Version 2. Collection method: clinical testing. Allele origin: germline. Affected: yes. Observed: 1 variant allele.
Comment: POLR1B: BP4, BS1, BS2

PreventionGenetics, part of Exact Sciences
Classification: Likely benign for POLR1B-related condition. Last evaluated: 2022-06-01. Review status: no assertion criteria provided. Collection method: clinical testing. Allele origin: germline. Not counted in ClinVar's aggregate classification.
Comment: This variant is classified as likely benign based on ACMG/AMP sequence variant interpretation guidelines (Richards et al. 2015 PMID: 25741868, with internal and published modifications).

NM_019014.6(POLR1B):c.2600T>C (p.Val867Ala)

Gene: POLR1B (RNA polymerase I subunit B; plus strand). Cytogenetic location: 2q14.1.
Variant type: single nucleotide variant.
Coding change: c.2600T>C on transcript NM_019014.6 (MANE Select); coding-DNA position 2600, T replaced by C.
Protein change: p.Val867Ala; replaces valine 867 with alanine.
Molecular consequence: missense variant.
Genome position (GRCh38, 1-based): chr2:112,574,921, T>C. VCF-style: chr2-112574921-T-C. GRCh37 (hg19) VCF-style: chr2-113332498-T-C.
Other names: c.2432T>C, p.Val811Ala (NM_001137604.3, NM_032212.2); c.2714T>C, p.Val905Ala (NM_001282772.2); c.2051T>C, p.Val684Ala (NM_001282774.2); c.1967T>C, p.Val656Ala (NM_001282776.2, NM_001371971.1); c.2183T>C, p.Val728Ala (NM_001282777.2, NM_001282779.2, NM_001371970.1); c.2738T>C, p.Val913Ala (NM_001371969.1); c.2714T>C (NM_001282772.1); short protein forms V656A, V684A, V728A, V811A, V867A, V905A, V913A.
Identifiers: ClinVar variation 2651280 (VCV002651280.25), dbSNP rs143337808, ClinGen allele CA1835354.